The following is an entry in ClinVar:

ClinVar aggregate classification (germline): Uncertain significance (1 of 4 stars; one submission).

Submission:

Labcorp Genetics (formerly Invitae), Labcorp
Classification: Uncertain significance. Last evaluated: 2025-05-16. Review status: criteria provided, single submitter. Criteria: Invitae Variant Classification Sherloc (09022015). Collection method: clinical testing. Allele origin: germline.
Comment: This sequence change replaces alanine, which is neutral and non-polar, with threonine, which is neutral and polar, at codon 1033 of the NSD1 protein (p.Ala1033Thr). This variant is not present in population databases (gnomAD no frequency). This variant has not been reported in the literature in individuals affected with NSD1-related conditions. Invitae Evidence Modeling of protein sequence and biophysical properties (such as structural, functional, and spatial information, amino acid conservation, physicochemical variation, residue mobility, and thermodynamic stability) indicates that this missense variant is not expected to disrupt NSD1 protein function with a negative predictive value of 95%. In summary, the available evidence is currently insufficient to determine the role of this variant in disease. Therefore, it has been classified as a Variant of Uncertain Significance.

NM_022455.5(NSD1):c.3097G>A (p.Ala1033Thr)

Gene: NSD1 (nuclear receptor binding SET domain protein 1; plus strand). Cytogenetic location: 5q35.3.
Variant type: single nucleotide variant.
Coding change: c.3097G>A on transcript NM_022455.5 (MANE Select); coding-DNA position 3097, G replaced by A.
Protein change: p.Ala1033Thr; replaces alanine 1033 with threonine.
Molecular consequence: missense variant.
Genome position (GRCh38, 1-based): chr5:177,211,496, G>A. VCF-style: chr5-177211496-G-A. GRCh37 (hg19) VCF-style: chr5-176638497-G-A.
Other names: c.2224G>A, p.Ala742Thr (NM_001365684.2, NM_001409306.1, NM_001409307.1 and 3 more transcripts); c.3097G>A, p.Ala1033Thr (NM_001409301.1, NM_001409302.1, NM_001409303.1); c.2677G>A, p.Ala893Thr (NM_001409304.1); c.2344G>A, p.Ala782Thr (NM_001409305.1); short protein forms A1033T, A742T, A782T, A893T.
Identifiers: ClinVar variation 4801579 (VCV004801579.1).